The following is an entry in ClinVar:

NM_002076.4(GNS):c.640G>T (p.Asp214Tyr)

Gene: GNS (glucosamine (N-acetyl)-6-sulfatase; minus strand). Cytogenetic location: 12q14.3.
Variant type: single nucleotide variant.
Coding change: c.640G>T on transcript NM_002076.4 (MANE Select); coding-DNA position 640, G replaced by T.
Protein change: p.Asp214Tyr; replaces aspartic acid 214 with tyrosine.
Molecular consequence: missense variant.
Genome position (GRCh38, 1-based): chr12:64,743,293, C>A on the plus strand (G>T on the coding strand, the complement: GNS is on the minus strand). VCF-style: chr12-64743293-C-A. GRCh37 (hg19) VCF-style: chr12-65137073-C-A.
Other names: short protein forms D214Y.
Identifiers: ClinVar variation 1937916 (VCV001937916.5), dbSNP rs2539523789, ClinGen allele CA385609325.

ClinVar aggregate classification (germline): Uncertain significance (1 of 4 stars; one submission).

Conditions:
Mucopolysaccharidosis, MPS-III-D (MPS3D). Also called: N-ACETYLGLUCOSAMINE-6-SULFATASE DEFICIENCY; SANFILIPPO SYNDROME D; MPS III D; Mucopoly-saccharidosis type 3D; N-acetylglucosamine-6-sulfate sulfatase deficiency; MPS 3D. Identifiers: Orphanet 581, Orphanet 79272, MedGen C0086650, MONDO:0009658, OMIM 252940.

Submission:

Labcorp Genetics (formerly Invitae), Labcorp
Classification: Uncertain significance for Mucopolysaccharidosis, MPS-III-D. Last evaluated: 2022-05-31. Review status: criteria provided, single submitter. Criteria: Invitae Variant Classification Sherloc (09022015). Collection method: clinical testing. Allele origin: germline.
Comment: This sequence change replaces aspartic acid, which is acidic and polar, with tyrosine, which is neutral and polar, at codon 214 of the GNS protein (p.Asp214Tyr). This variant is not present in population databases (gnomAD no frequency). This variant has not been reported in the literature in individuals affected with GNS-related conditions. Algorithms developed to predict the effect of missense changes on protein structure and function are either unavailable or do not agree on the potential impact of this missense change (SIFT: "Deleterious"; PolyPhen-2: "Possibly Damaging"; Align-GVGD: "Class C15"). Algorithms developed to predict the effect of sequence changes on RNA splicing suggest that this variant may create or strengthen a splice site. In summary, the available evidence is currently insufficient to determine the role of this variant in disease. Therefore, it has been classified as a Variant of Uncertain Significance.